The following is an entry in ClinVar:

ClinVar aggregate classification (germline): Likely benign (0 of 4 stars; one submission).

Conditions:
MKS1-related disorder. Also called: MKS1-related condition; MKS1-related disorders. Identifiers: MedGen CN239382.

Submission:

PreventionGenetics, part of Exact Sciences
Classification: Likely benign for MKS1-related condition. Last evaluated: 2023-09-14. Review status: no assertion criteria provided. Collection method: clinical testing. Allele origin: germline.
Comment: This variant is classified as likely benign based on ACMG/AMP sequence variant interpretation guidelines (Richards et al. 2015 PMID: 25741868, with internal and published modifications).

NM_017777.4(MKS1):c.262-128G>A

Gene: MKS1 (MKS transition zone complex subunit 1; minus strand). Cytogenetic location: 17q22.
Variant type: single nucleotide variant.
Coding change: c.262-128G>A on transcript NM_017777.4 (MANE Select); 128 bases into the intron before coding-DNA position 262, G replaced by A.
Molecular consequence: intron variant.
Genome position (GRCh38, 1-based): chr17:58,216,371, C>T on the plus strand (G>A on the coding strand, the complement: MKS1 is on the minus strand). VCF-style: chr17-58216371-C-T. GRCh37 (hg19) VCF-style: chr17-56293732-C-T.
Other names: c.-250-128G>A (NM_001321268.2); c.262-128G>A (NM_001330397.2, NM_001321269.2, NM_001411113.1).
Identifiers: ClinVar variation 3030215 (VCV003030215.2), dbSNP rs1306972056, ClinGen allele CA2740093882.